The following is an entry in ClinVar:

ClinVar aggregate classification (germline): Pathogenic. Review status: criteria provided, multiple submitters, no conflicts (2 of 4 stars). 3 submissions from 3 submitters: Pathogenic (3). Last evaluated 2026-07-07.

Conditions:
COG5-congenital disorder of glycosylation. Also called: CDG IIi; CONGENITAL DISORDER OF GLYCOSYLATION, TYPE IIi; COG5-CDG. Identifiers: Orphanet 263487, MedGen C3150876, MONDO:0013325, OMIM 613612.

Allele frequency attached by ClinVar (database versions not stated): gnomAD exomes 0.00002 and 0.00001; ESP Exome Variant Server 0.00015; ExAC 0.00002; gnomAD 0.00003 and 0.00004; TOPMed 0.00006.
gnomAD v4.1: 24 of 1,611,562 alleles (0.0015%); highest among the groups gnomAD compares: Admixed American, 0.012%; no homozygotes.

Submissions (3):

GeneDx
Classification: Pathogenic. Last evaluated: 2026-07-07. Review status: criteria provided, single submitter. Criteria: GeneDx Variant Classification Process June 2021. Collection method: clinical testing. Allele origin: germline.
Comment: Nonsense variant predicted to result in protein truncation or nonsense mediated decay in a gene for which loss of function is a known mechanism of disease; Not observed at significant frequency in large population cohorts (gnomAD); This variant is associated with the following publications: (PMID: 29878199)

Labcorp Genetics (formerly Invitae), Labcorp
Classification: Pathogenic for COG5-congenital disorder of glycosylation. Last evaluated: 2025-07-21. Review status: criteria provided, single submitter. Criteria: Invitae Variant Classification Sherloc (09022015). Collection method: clinical testing. Allele origin: germline.
Comment: This sequence change creates a premature translational stop signal (p.Arg236*) in the COG5 gene. It is expected to result in an absent or disrupted protein product. Loss-of-function variants in COG5 are known to be pathogenic (PMID: 23228021). This variant is present in population databases (rs370851836, gnomAD 0.009%). This premature translational stop signal has been observed in individual(s) with congenital disorder of glycosylation (PMID: 29878199). ClinVar contains an entry for this variant (Variation ID: 1457759). For these reasons, this variant has been classified as Pathogenic.

Women's Health and Genetics/Laboratory Corporation of America, LabCorp
Classification: Pathogenic for COG5-congenital disorder of glycosylation. Last evaluated: 2023-11-09. Review status: criteria provided, single submitter. Criteria: LabCorp Variant Classification Summary - May 2015. Collection method: clinical testing. Allele origin: germline.
Comment: Variant summary: COG5 c.613C>T (p.Arg205X), also known as c.706C>T (p.Arg236X), results in a premature termination codon, predicted to cause absence of the protein due to nonsense mediated decay, which is a commonly known mechanism for disease. The variant allele was found at a frequency of 2e-05 in 250962 control chromosomes (gnomAD). c.613C>T has been reported in the literature in an individual affected with Congenital Disorder Of Glycosylation who was compound heterozygous with a likely pathogenic variant (Ashikov_2018). The following publication has been ascertained in the context of this evaluation (PMID: 29878199). Two submitters have cited clinical-significance assessments for this variant to ClinVar after 2014. Both submitters classified the variant as pathogenic. Based on the evidence outlined above, the variant was classified as pathogenic.

Literature cited by the submitters: PubMed 23228021 (cited by Labcorp Genetics (formerly Invitae), Labcorp); PubMed 29878199 (cited by Labcorp Genetics (formerly Invitae), Labcorp and Women's Health and Genetics/Laboratory Corporation of America, LabCorp).

NM_006348.5(COG5):c.613C>T (p.Arg205Ter)

Gene: COG5 (component of oligomeric golgi complex 5; minus strand). Cytogenetic location: 7q22.3.
Variant type: single nucleotide variant.
Coding change: c.613C>T on transcript NM_006348.5 (MANE Select); coding-DNA position 613, C replaced by T.
Protein change: p.Arg205Ter; replaces arginine 205 with a stop codon.
Molecular consequence: nonsense. On other transcripts: intron variant (2).
Genome position (GRCh38, 1-based): chr7:107,412,558, G>A on the plus strand (C>T on the coding strand, the complement: COG5 is on the minus strand). VCF-style: chr7-107412558-G-A. GRCh37 (hg19) VCF-style: chr7-107053003-G-A.
Other names: c.613C>T, p.Arg205Ter (NM_001161520.2, NM_001379511.1, NM_001379512.1 and 3 more transcripts); c.235-50448C>T (NM_001379516.1); c.539-114212C>T (NM_001379515.1); short protein forms R205*.
Identifiers: ClinVar variation 1457759 (VCV001457759.12), dbSNP rs370851836, ClinGen allele CA4431174.
Genomic context (GRCh38, chr7:107,412,558, plus strand): 5'-TTACCTGAGTCTCCAAACCCTGCTCTAGTAGGCGCTTAGCTTGATTTTCCACTTCAAGTC[G>A]GGCTCTTGCAATAAAAAGTAGATCATTTTCTATCACTTCTATTCCAGAAAGATCTATTCC-3'